The following is an entry in ClinVar:

NM_001099403.2(PRDM8):c.985C>T (p.Leu329=)

Genes: PRDM8 (PR/SET domain 8; plus strand), LOC129992744 (ATAC-STARR-seq lymphoblastoid silent region 15521; plus strand). Cytogenetic location: 4q21.21.
Variant type: single nucleotide variant.
Coding change: c.985C>T on transcript NM_001099403.2 (MANE Select); coding-DNA position 985, C replaced by T.
Protein change: p.Leu329=; no amino-acid change (leucine 329 retained).
Molecular consequence: synonymous variant.
Genome position (GRCh38, 1-based): chr4:80,202,447, C>T. VCF-style: chr4-80202447-C-T. GRCh37 (hg19) VCF-style: chr4-81123601-C-T.
Other names: c.985C>T, p.Leu329= (NM_020226.4).
Identifiers: ClinVar variation 542340 (VCV000542340.16), dbSNP rs560049733, ClinGen allele CA2982366.

ClinVar aggregate classification (germline): Likely benign. Review status: criteria provided, multiple submitters, no conflicts (2 of 4 stars). 3 submissions from 3 submitters: Likely benign (2). 1 of the submissions does not count toward it. Last evaluated 2026-04-01.

Conditions:
Early-onset Lafora body disease. Also called: Epilepsy, progressive myoclonic, 10. Identifiers: Orphanet 324290, MedGen C4225258, MONDO:0014717, OMIM 616640.
PRDM8-related disorder. Also called: PRDM8-related condition.

Allele frequency attached by ClinVar (database versions not stated): ExAC below 0.00001; 1000 Genomes Project 30x 0.00016; 1000 Genomes Project 0.00020; gnomAD exomes 0.00030 and 0.00063; gnomAD 0.00034 and 0.00036; TOPMed 0.00036.
gnomAD v4.1: 922 of 1,546,454 alleles (0.06%); highest among the groups gnomAD compares: Non-Finnish European, 0.074%; 1 homozygote.

Submissions (3):

CeGaT Center for Human Genetics Tuebingen
Classification: Likely benign. Last evaluated: 2026-04-01. Review status: criteria provided, single submitter. Criteria: CeGaT Center For Human Genetics Tuebingen Variant Classification Criteria Version 2. Collection method: clinical testing. Allele origin: germline. Affected: yes. Observed: 1 variant allele.
Comment: PRDM8: BP4, BP7

Labcorp Genetics (formerly Invitae), Labcorp
Classification: Likely benign for Early-onset Lafora body disease. Last evaluated: 2025-11-13. Review status: criteria provided, single submitter. Criteria: Invitae Variant Classification Sherloc (09022015). Collection method: clinical testing. Allele origin: germline.

PreventionGenetics, part of Exact Sciences
Classification: Likely benign for PRDM8-related condition. Last evaluated: 2019-08-30. Review status: no assertion criteria provided. Collection method: clinical testing. Allele origin: germline. Not counted in ClinVar's aggregate classification.
Comment: This variant is classified as likely benign based on ACMG/AMP sequence variant interpretation guidelines (Richards et al. 2015 PMID: 25741868, with internal and published modifications).